The following is an entry in ClinVar:

NM_016373.4(WWOX):c.550C>T (p.Leu184Phe)

Gene: WWOX (WW domain containing oxidoreductase; plus strand). Cytogenetic location: 16q23.1.
Variant type: single nucleotide variant.
Coding change: c.550C>T on transcript NM_016373.4 (MANE Select); coding-DNA position 550, C replaced by T.
Protein change: p.Leu184Phe; replaces leucine 184 with phenylalanine.
Molecular consequence: missense variant.
Genome position (GRCh38, 1-based): chr16:78,386,893, C>T. VCF-style: chr16-78386893-C-T. GRCh37 (hg19) VCF-style: chr16-78420790-C-T.
Other names: c.211C>T, p.Leu71Phe (NM_001291997.2); short protein forms L184F, L71F.
Identifiers: ClinVar variation 846458 (VCV000846458.8), dbSNP rs753965511, ClinGen allele CA8183328.

ClinVar aggregate classification (germline): Uncertain significance. Review status: criteria provided, multiple submitters, no conflicts (2 of 4 stars). 2 submissions from 2 submitters: Uncertain significance (2). Last evaluated 2025-09-30.

Conditions:
Developmental and epileptic encephalopathy, 1 (DEE1). Also called: INFANTILE SPASM SYNDROME, X-LINKED 1; Epileptic encephalopathy, early infantile, 1; X-linked infantile spasms; West's syndrome; Tonic spasms with clustering, arrest of psychomotor development and hypsarrhythmia on EEG; X-Linked Infantile Spasm Syndrome. Identifiers: MedGen C3463992, MONDO:0010632, OMIM 308350. Disease mechanism: loss of function.
Autosomal recessive spinocerebellar ataxia 12. Also called: SPINOCEREBELLAR ATAXIA WITH MENTAL RETARDATION AND EPILEPSY. Identifiers: Orphanet 284282, MedGen C3280452, MONDO:0013687, OMIM 614322.

Allele frequency attached by ClinVar (database versions not stated): TOPMed 0.00001; ExAC 0.00005.
gnomAD v4.1: 40 of 1,614,094 alleles (0.0025%); highest among the groups gnomAD compares: South Asian, 0.032%; no homozygotes.

Submissions (2):

Athena Diagnostics
Classification: Uncertain significance. Last evaluated: 2025-09-30. Review status: criteria provided, single submitter. Criteria: Athena Diagnostics Criteria. Collection method: clinical testing. Allele origin: unknown.
Comment: Available data are insufficient to determine the clinical significance of the variant at this time. The frequency of this variant in the general population is uninformative in assessment of its pathogenicity. Polyphen and MutationTaster predict this amino acid change may be damaging to the protein.

Labcorp Genetics (formerly Invitae), Labcorp
Classification: Uncertain significance for Developmental and epileptic encephalopathy, 1; Autosomal recessive spinocerebellar ataxia 12. Last evaluated: 2024-02-16. Review status: criteria provided, single submitter. Criteria: Invitae Variant Classification Sherloc (09022015). Collection method: clinical testing. Allele origin: germline.
Comment: This sequence change replaces leucine, which is neutral and non-polar, with phenylalanine, which is neutral and non-polar, at codon 184 of the WWOX protein (p.Leu184Phe). This variant is present in population databases (rs753965511, gnomAD 0.03%). This variant has not been reported in the literature in individuals affected with WWOX-related conditions. ClinVar contains an entry for this variant (Variation ID: 846458). Advanced modeling of protein sequence and biophysical properties (such as structural, functional, and spatial information, amino acid conservation, physicochemical variation, residue mobility, and thermodynamic stability) performed at Invitae indicates that this missense variant is not expected to disrupt WWOX protein function with a negative predictive value of 80%. In summary, the available evidence is currently insufficient to determine the role of this variant in disease. Therefore, it has been classified as a Variant of Uncertain Significance.